The following is an entry in ClinVar:

NM_001035.3(RYR2):c.4375T>C (p.Leu1459=)

Gene: RYR2 (ryanodine receptor 2; plus strand). Cytogenetic location: 1q43.
Variant type: single nucleotide variant.
Coding change: c.4375T>C on transcript NM_001035.3 (MANE Select); coding-DNA position 4375, T replaced by C.
Protein change: p.Leu1459=; no amino-acid change (leucine 1459 retained).
Molecular consequence: synonymous variant.
Genome position (GRCh38, 1-based): chr1:237,593,575, T>C. VCF-style: chr1-237593575-T-C. GRCh37 (hg19) VCF-style: chr1-237756875-T-C.
Identifiers: ClinVar variation 2020719 (VCV002020719.5), dbSNP rs2546638824, ClinGen allele CA423820176.
Genomic context (GRCh38, chr1:237,593,575, plus strand): 5'-GCTAATGTCTGGGTGGGCTGGATTACATCAGATTTCCATCAGTATGACACAGGCTTTGAC[T>C]TGGACAGAGTTCGCACAGTAACAGTTACTCTAGGAGATGAAAAAGGAAAAGTGCATGAAA-3'
Protein context (NP_001026.2, residues 1449-1469): DFHQYDTGFD[Leu1459=]DRVRTVTVTL

ClinVar aggregate classification (germline): Conflicting classifications of pathogenicity. Review status: criteria provided, conflicting classifications (1 of 4 stars). 2 submissions from 2 submitters: Uncertain significance (1); Likely benign (1). Last evaluated 2023-08-15.

Conditions:
Catecholaminergic polymorphic ventricular tachycardia (CVPT). Also called: Catecholamine-induced polymorphic ventricular tachycardia. Identifiers: Orphanet 3286, MedGen C5574922, MONDO:0017990.
Catecholaminergic polymorphic ventricular tachycardia 1. Also called: VENTRICULAR TACHYCARDIA, CATECHOLAMINERGIC POLYMORPHIC, 1, WITH OR WITHOUT ATRIAL DYSFUNCTION AND/OR DILATED CARDIOMYOPATHY; RYR2-Related Catecholaminergic Polymorphic Ventricular Tachycardia; VENTRICULAR TACHYCARDIA, STRESS-INDUCED POLYMORPHIC 1. Identifiers: Orphanet 3286, MedGen C1631597, MONDO:0011484, OMIM 604772.

Submissions (2):

All of Us Research Program, National Institutes of Health
Classification: Uncertain significance for Catecholaminergic polymorphic ventricular tachycardia. Last evaluated: 2023-08-15. Review status: criteria provided, single submitter. Criteria: ACMG Guidelines, 2015. Collection method: clinical testing. Allele origin: germline. Inheritance: Autosomal dominant inheritance. Observed: 1 variant allele, 1 heterozygote.
Comment: This variant is located in the RYR2 protein. To our knowledge, functional studies have not been reported for this variant. This variant has not been reported in individuals affected with RYR2-related disorders in the literature. This variant has not been identified in the general population by the Genome Aggregation Database (gnomAD). The available evidence is insufficient to determine the role of this variant in disease conclusively. Therefore, this variant is classified as a Variant of Uncertain Significance.

This study involves interpretation of variants in research participants for the purpose of population health screening. Participant phenotype was not available at the time of variant classification. Additional details can be found in publication PMID: 35346344, PMCID: PMC8962531

Labcorp Genetics (formerly Invitae), Labcorp
Classification: Likely benign for Catecholaminergic polymorphic ventricular tachycardia 1. Last evaluated: 2022-07-31. Review status: criteria provided, single submitter. Criteria: Invitae Variant Classification Sherloc (09022015). Collection method: clinical testing. Allele origin: germline.